The following is an entry in ClinVar:

NM_001130438.3(SPTAN1):c.970T>A (p.Ser324Thr)

Gene: SPTAN1 (spectrin alpha, non-erythrocytic 1; plus strand). Cytogenetic location: 9q34.11.
Variant type: single nucleotide variant.
Coding change: c.970T>A on transcript NM_001130438.3 (MANE Select); coding-DNA position 970, T replaced by A.
Protein change: p.Ser324Thr; replaces serine 324 with threonine.
Molecular consequence: missense variant.
Genome position (GRCh38, 1-based): chr9:128,577,391, T>A. VCF-style: chr9-128577391-T-A. GRCh37 (hg19) VCF-style: chr9-131339670-T-A.
Other names: c.1006T>A, p.Ser336Thr (NM_001375318.1, NM_001375312.2); c.970T>A, p.Ser324Thr (NM_003127.4, NM_001195532.2, NM_001363759.2 and 5 more transcripts); short protein forms S324T, S336T.
Identifiers: ClinVar variation 1969976 (VCV001969976.5), dbSNP rs779648804, ClinGen allele CA5264279.

ClinVar aggregate classification (germline): Uncertain significance (1 of 4 stars; one submission).

Conditions:
Early-infantile DEE. Also called: Early infantile epileptic encephalopathy; Ohtahara syndrome; Early infantile epileptic encephalopathy with suppression bursts. Identifiers: Orphanet 1934, MedGen C0393706, MONDO:0800491.

Allele frequency attached by ClinVar (database versions not stated): gnomAD exomes 0.00001; TOPMed below 0.00001; ExAC 0.00003; gnomAD 0.00001.
gnomAD v4.1: 7 of 1,614,062 alleles (0.00043%); highest among the groups gnomAD compares: Admixed American, 0.012%; no homozygotes.

Submission:

Labcorp Genetics (formerly Invitae), Labcorp
Classification: Uncertain significance for Early-infantile DEE. Last evaluated: 2026-01-05. Review status: criteria provided, single submitter. Criteria: Invitae Variant Classification Sherloc (09022015). Collection method: clinical testing. Allele origin: germline.
Comment: This sequence change replaces serine, which is neutral and polar, with threonine, which is neutral and polar, at codon 324 of the SPTAN1 protein (p.Ser324Thr). This variant is present in population databases (rs779648804, gnomAD 0.01%). This variant has not been reported in the literature in individuals affected with SPTAN1-related conditions. ClinVar contains an entry for this variant (Variation ID: 1969976). An algorithm developed to predict the effect of missense changes on protein structure and function outputs the following: PolyPhen-2: "Benign". The threonine amino acid residue is found in multiple mammalian species, which suggests that this missense change does not adversely affect protein function. In summary, the available evidence is currently insufficient to determine the role of this variant in disease. Therefore, it has been classified as a Variant of Uncertain Significance.